The following is an entry in ClinVar:

ClinVar aggregate classification (germline): Benign/Likely benign. Review status: criteria provided, multiple submitters, no conflicts (2 of 4 stars). 3 submissions from 3 submitters: Benign (2); Likely benign (1). Last evaluated 2025-12-01.

Allele frequency attached by ClinVar (database versions not stated): TOPMed 0.00046; gnomAD exomes 0.00090; ESP Exome Variant Server 0.00110; ExAC 0.00145.
gnomAD v4.1: 595 of 1,550,762 alleles (0.038%); highest among the groups gnomAD compares: Non-Finnish European, 0.0082%; 6 homozygotes.

Submissions (3):

Labcorp Genetics (formerly Invitae), Labcorp
Classification: Benign. Last evaluated: 2025-12-01. Review status: criteria provided, single submitter. Criteria: Invitae Variant Classification Sherloc (09022015). Collection method: clinical testing. Allele origin: germline.

CeGaT Center for Human Genetics Tuebingen
Classification: Likely benign. Last evaluated: 2024-02-01. Review status: criteria provided, single submitter. Criteria: CeGaT Center For Human Genetics Tuebingen Variant Classification Criteria Version 2. Collection method: clinical testing. Allele origin: germline. Affected: yes. Observed: 1 variant allele.
Comment: UNC80: PP2, BS2

Breakthrough Genomics
Classification: Benign. Review status: criteria provided, single submitter. Criteria: ACMG Guidelines, 2015. Collection method: not provided. Allele origin: germline. Inheritance: Autosomal recessive inheritance. Affected: yes.

NM_001371986.1(UNC80):c.3372T>G (p.Ser1124Arg)

Gene: UNC80 (unc-80 subunit of NALCN channel complex; plus strand). Cytogenetic location: 2q34.
Variant type: single nucleotide variant.
Coding change: c.3372T>G on transcript NM_001371986.1 (MANE Select); coding-DNA position 3372, T replaced by G.
Protein change: p.Ser1124Arg; replaces serine 1124 with arginine.
Molecular consequence: missense variant.
Genome position (GRCh38, 1-based): chr2:209,842,364, T>G. VCF-style: chr2-209842364-T-G. GRCh37 (hg19) VCF-style: chr2-210707088-T-G.
Other names: c.3378T>G, p.Ser1126Arg (NM_032504.2); c.3363T>G, p.Ser1121Arg (NM_182587.4); short protein forms S1121R, S1124R, S1126R.
Identifiers: ClinVar variation 1561818 (VCV001561818.31), dbSNP rs199664663, ClinGen allele CA2083124.
Genomic context (GRCh38, chr2:209,842,364, plus strand): 5'-CCTTTGAATCTTATCTCTCTACTTTCCTTTTTTTTTCTTTTTTCAGGTCAAATTCACTAG[T>G]GCTGTGAAGCTTTCTGAAGGTGGGCCAGGAAGTGGCATGGAAAATGGAAGAGATGAAGAG-3'
Protein context (NP_001358915.1, residues 1114-1134): IRQSSKVKFT[Ser1124Arg]AVKLSEGGPG